The following is an entry in ClinVar:

ClinVar aggregate classification (germline): Likely benign. Review status: criteria provided, multiple submitters, no conflicts (2 of 4 stars). 3 submissions from 3 submitters: Likely benign (3). Last evaluated 2026-01-27.

Conditions:
Cardiac arrhythmia. Also called: Cardiac rhythm disease; Arrhythmia. Identifiers: MedGen C0003811, MONDO:0007263, HP:0011675.
Long QT syndrome (LQTS). Identifiers: MedGen C0023976, MeSH D008133, MONDO:0002442. Disease mechanism: loss of function. Inheritance: Various modes of inheritance.

Allele frequency attached by ClinVar (database versions not stated): gnomAD exomes below 0.00001; gnomAD 0.00001; TOPMed 0.00001.
gnomAD v4.1: 6 of 1,614,228 alleles (0.00037%); highest among the groups gnomAD compares: Admixed American, 0.0033%; no homozygotes.

Submissions (3):

Labcorp Genetics (formerly Invitae), Labcorp
Classification: Likely benign for Long QT syndrome. Last evaluated: 2026-01-27. Review status: criteria provided, single submitter. Criteria: Invitae Variant Classification Sherloc (09022015). Collection method: clinical testing. Allele origin: germline.

Color Diagnostics, LLC DBA Color Health
Classification: Likely benign for Cardiac arrhythmia. Last evaluated: 2022-11-06. Review status: criteria provided, single submitter. Criteria: ACMG Guidelines, 2015. Collection method: clinical testing. Allele origin: germline.

GeneDx
Classification: Likely benign. Last evaluated: 2018-04-30. Review status: criteria provided, single submitter. Criteria: GeneDx Variant Classification (06012015). Collection method: clinical testing. Allele origin: germline. Affected: yes.
Comment: This variant is considered likely benign or benign based on one or more of the following criteria: it is a conservative change, it occurs at a poorly conserved position in the protein, it is predicted to be benign by multiple in silico algorithms, and/or has population frequency not consistent with disease.

NM_000238.4(KCNH2):c.2091C>T (p.Leu697=)

Gene: KCNH2 (potassium voltage-gated channel subfamily H member 2; minus strand). Cytogenetic location: 7q36.1.
Variant type: single nucleotide variant.
Coding change: c.2091C>T on transcript NM_000238.4 (MANE Select); coding-DNA position 2091, C replaced by T.
Protein change: p.Leu697=; no amino-acid change (leucine 697 retained).
Molecular consequence: synonymous variant. On other transcripts: non-coding transcript variant (2).
Genome position (GRCh38, 1-based): chr7:150,950,975, G>A on the plus strand (C>T on the coding strand, the complement: KCNH2 is on the minus strand). VCF-style: chr7-150950975-G-A. GRCh37 (hg19) VCF-style: chr7-150648063-G-A.
Other names: c.1071C>T, p.Leu357= (NM_001204798.2, NM_172057.3); c.1803C>T, p.Leu601= (NM_001406753.1, NM_001406756.1); c.1914C>T, p.Leu638= (NM_001406755.1); c.1791C>T, p.Leu597= (NM_001406757.1); c.2091C>T, p.Leu697= (NM_172056.3).
Identifiers: ClinVar variation 413342 (VCV000413342.15), dbSNP rs968886132, ClinGen allele CA16612047.